The following is an entry in ClinVar:

ClinVar aggregate classification (germline): Pathogenic/Likely pathogenic. Review status: criteria provided, multiple submitters, no conflicts (2 of 4 stars). 4 submissions from 4 submitters: Pathogenic (1); Likely pathogenic (3). Last evaluated 2025-04-09.

Conditions:
Hermansky-Pudlak syndrome (HPS). Also called: ALBINISM WITH HEMORRHAGIC DIATHESIS AND PIGMENTED RETICULOENDOTHELIAL CELLS. Identifiers: Orphanet 79430, MedGen C0079504, MONDO:0019312.
Hermansky-Pudlak syndrome 3 (HPS3). Identifiers: Orphanet 231512, Orphanet 79430, MedGen C3888001, MONDO:0013555, OMIM 614072.

Submissions (4):

Natera, Inc.
Classification: Likely pathogenic for Hermansky-Pudlak syndrome. Last evaluated: 2025-04-09. Review status: criteria provided, single submitter. Criteria: Natera Variant Classification Schema (03/2026). Collection method: clinical testing. Allele origin: germline.
Comment: The c.403delG variant in HPS3 is a frameshift variant predicted to shift the reading frame beginning at codon 135 and leads to a stop codon 10 codons downstream. This variant is expected to result in nonsense mediated decay, truncation, or a dysfunctional protein product. This variant is rare in the general population with a frequency below the threshold expected for the associated phenotype(s). Given the available evidence, this variant is classified as Likely Pathogenic.

Fulgent Genetics
Classification: Likely pathogenic for Hermansky-Pudlak syndrome 3. Last evaluated: 2024-05-06. Review status: criteria provided, single submitter. Criteria: ACMG Guidelines, 2015. Collection method: clinical testing. Allele origin: germline.

Baylor Genetics
Classification: Likely pathogenic for Hermansky-Pudlak syndrome 3. Last evaluated: 2024-01-22. Review status: criteria provided, single submitter. Criteria: ACMG Guidelines, 2015. Collection method: clinical testing. Allele origin: unknown.

Labcorp Genetics (formerly Invitae), Labcorp
Classification: Pathogenic. Last evaluated: 2023-02-09. Review status: criteria provided, single submitter. Criteria: Invitae Variant Classification Sherloc (09022015). Collection method: clinical testing. Allele origin: germline.
Comment: For these reasons, this variant has been classified as Pathogenic. This sequence change creates a premature translational stop signal (p.Ala135Profs*10) in the HPS3 gene. It is expected to result in an absent or disrupted protein product. Loss-of-function variants in HPS3 are known to be pathogenic (PMID: 11590544). This variant is present in population databases (rs748883997, gnomAD 0.006%). This variant has not been reported in the literature in individuals affected with HPS3-related conditions. ClinVar contains an entry for this variant (Variation ID: 653630).

Literature cited by the submitters: PubMed 11590544 (cited by Labcorp Genetics (formerly Invitae), Labcorp).

NM_032383.5(HPS3):c.403del (p.Ala135fs)

Gene: HPS3 (HPS3 biogenesis of lysosomal organelles complex 2 subunit 1; plus strand). Cytogenetic location: 3q24.
Variant type: Deletion.
Coding change: c.403del on transcript NM_032383.5 (MANE Select); coding-DNA position 403, one base deleted (G; older notation c.403delG).
Protein change: p.Ala135fs; shifts the reading frame from alanine 135.
Molecular consequence: frameshift variant. On other transcripts: intron variant (1).
Genome position (GRCh38, 1-based): chr3:149,140,189, G deleted; the last of 2 consecutive G bases (chr3:149,140,188-149,140,189); deleting either gives the same sequence. VCF-style (leftmost placement, unchanged base first): chr3-149140187-AG-A. GRCh37 (hg19) VCF-style: chr3-148857974-AG-A.
Other names: c.218-828del (NM_001308258.2); short protein forms A135fs.
Identifiers: ClinVar variation 653630 (VCV000653630.10), dbSNP rs748883997, ClinGen allele CA2659793.
Genomic context (GRCh38, chr3:149,140,187, plus strand): 5'-AGGGACCATTCAGCAAAGCCTTCAGAGACCAGATGTACATTATTGAAATGCCGCTTTCGG[AG>A]GCCCCCTTGTGCATTTCCTGTTGCCCTGTGAAAGGAGACCTTCTCGTTGGCTGCACAAAT-3'